The following is an entry in ClinVar:

NM_005120.3(MED12):c.3941G>C (p.Ser1314Thr)

Gene: MED12 (mediator complex subunit 12; plus strand). Cytogenetic location: Xq13.1.
Variant type: single nucleotide variant.
Coding change: c.3941G>C on transcript NM_005120.3 (MANE Select); coding-DNA position 3941, G replaced by C.
Protein change: p.Ser1314Thr; replaces serine 1314 with threonine.
Molecular consequence: missense variant.
Genome position (GRCh38, 1-based): chrX:71,130,108, G>C. VCF-style: chrX-71130108-G-C. GRCh37 (hg19) VCF-style: chrX-70349958-G-C.
Other names: short protein forms S1314T.
Identifiers: ClinVar variation 5024226 (VCV005024226.1).

ClinVar aggregate classification (germline): Uncertain significance (1 of 4 stars; one submission).

Conditions:
Familial thoracic aortic aneurysm and aortic dissection (TAAD). Also called: Thoracic aortic aneurysms and dissections. Identifiers: Orphanet 91387, MedGen C4707243, MONDO:0019625.

Submission:

Ambry Genetics
Classification: Uncertain significance for Familial thoracic aortic aneurysm and aortic dissection. Last evaluated: 2026-06-22. Review status: criteria provided, single submitter. Criteria: Ambry Variant Classification Scheme 2023. Collection method: clinical testing. Allele origin: germline.
Comment: The p.S1314T variant (also known as c.3941G>C), located in coding exon 28 of the MED12 gene, results from a G to C substitution at nucleotide position 3941. The serine at codon 1314 is replaced by threonine, an amino acid with similar properties. This amino acid position is conserved. In addition, this alteration is predicted to be tolerated by in silico analysis. Based on the available evidence, the clinical significance of this variant remains unclear.